The following is an entry in ClinVar:

ClinVar aggregate classification (germline): Pathogenic (1 of 4 stars; one submission).

Conditions:
3-methylcrotonyl-CoA carboxylase 2 deficiency. Also called: 3 alpha methylcrotonyl-CoA carboxylase 2 deficiency; 3 alpha methylcrotonylglycinuria 2; MCC 2 deficiency; Methylcrotonylglycinuria type 2; METHYLCROTONYLGLYCINURIA, TYPE II. Identifiers: Orphanet 6, MedGen C1859499, MONDO:0008862, OMIM 210210.

Submission:

Labcorp Genetics (formerly Invitae), Labcorp
Classification: Pathogenic for 3-methylcrotonyl-CoA carboxylase 2 deficiency. Last evaluated: 2023-08-23. Review status: criteria provided, single submitter. Criteria: Invitae Variant Classification Sherloc (09022015). Collection method: clinical testing. Allele origin: germline.
Comment: For these reasons, this variant has been classified as Pathogenic. This variant has not been reported in the literature in individuals affected with MCCC2-related conditions. This variant is not present in population databases (gnomAD no frequency). This sequence change creates a premature translational stop signal (p.Trp2Serfs*35) in the MCCC2 gene. It is expected to result in an absent or disrupted protein product. Loss-of-function variants in MCCC2 are known to be pathogenic (PMID: 11181649, 22642865).

Literature cited by the submitters: PubMed 11181649; PubMed 22642865.

NM_022132.5(MCCC2):c.5_69del (p.Trp2fs)

Gene: MCCC2 (methylcrotonyl-CoA carboxylase subunit 2; plus strand). Cytogenetic location: 5q13.2.
Variant type: Deletion.
Coding change: c.5_69del on transcript NM_022132.5 (MANE Select); coding-DNA positions 5 to 69, 65 bases deleted.
Protein change: p.Trp2fs; shifts the reading frame from tryptophan 2.
Molecular consequence: frameshift variant.
Genome position (GRCh38, 1-based): chr5:71,587,430-71,587,494, 65 bases deleted. GRCh37 (hg19): chr5:70,883,257-70,883,321.
Other names: c.5_69del, p.Trp2fs (NM_001363147.1); short protein forms W2fs.
Identifiers: ClinVar variation 2871586 (VCV002871586.3), dbSNP rs2530683847, ClinGen allele CA2739274755.